The following is an entry in ClinVar:

ClinVar aggregate classification (germline): Uncertain significance (1 of 4 stars; one submission).

Submission:

GeneDx
Classification: Uncertain significance. Last evaluated: 2026-03-26. Review status: criteria provided, single submitter. Criteria: GeneDx Variant Classification Process June 2021. Collection method: clinical testing. Allele origin: germline.
Comment: Not observed at significant frequency in large population cohorts (gnomAD); In silico analysis supports that this missense variant has a deleterious effect on protein structure/function; Has not been previously published as pathogenic or benign to our knowledge

NM_014991.6(WDFY3):c.4187T>G (p.Phe1396Cys)

Gene: WDFY3 (WD repeat and FYVE domain containing 3; minus strand). Cytogenetic location: 4q21.23.
Variant type: single nucleotide variant.
Coding change: c.4187T>G on transcript NM_014991.6 (MANE Select); coding-DNA position 4187, T replaced by G.
Protein change: p.Phe1396Cys; replaces phenylalanine 1396 with cysteine.
Molecular consequence: missense variant.
Genome position (GRCh38, 1-based): chr4:84,780,286, A>C on the plus strand (T>G on the coding strand, the complement: WDFY3 is on the minus strand). VCF-style: chr4-84780286-A-C. GRCh37 (hg19) VCF-style: chr4-85701439-A-C.
Other names: short protein forms F1396C.
Identifiers: ClinVar variation 5017650 (VCV005017650.1).
Genomic context (GRCh38, chr4:84,780,286, plus strand): 5'-CCCAGGATGGCTGCAGCTCCACCAACGTACTGCAAAGTAGTGGCAACAGGCTTAGGGACA[A>C]ATGTTCTTACTCCTGATTAAAAGATAGTGAAAAATAATTAAGATAAATTCCCCATGTGAA-3'
Protein context (NP_055806.2, residues 1386-1406): ALIGYLGVRT[Phe1396Cys]VPKPVATTLQ